The following is an entry in ClinVar:

NM_001077365.2(POMT1):c.856-49T>G

Gene: POMT1 (protein O-mannosyltransferase 1; plus strand). Cytogenetic location: 9q34.13.
Variant type: single nucleotide variant.
Coding change: c.856-49T>G on transcript NM_001077365.2 (MANE Select); 49 bases into the intron before coding-DNA position 856, T replaced by G.
Molecular consequence: intron variant.
Genome position (GRCh38, 1-based): chr9:131,511,288, T>G. VCF-style: chr9-131511288-T-G. GRCh37 (hg19) VCF-style: chr9-134386675-T-G.
Other names: c.760-49T>G (NM_001353198.2, NM_001353197.2); c.922-49T>G (NM_001353193.2, NM_007171.4); c.856-49T>G (NM_001136113.2, NM_001374690.1); c.694-49T>G (NM_001353194.2, NM_001077366.2, NM_001374693.1); c.505-49T>G (NM_001374691.1, NM_001353195.2, NM_001374692.1 and 1 more transcripts); c.766-49T>G (NM_001353196.2); c.466-49T>G (NM_001374695.1); c.839-49T>G (NM_001374689.1); and 2 more.
Identifiers: ClinVar variation 260152 (VCV000260152.5), dbSNP rs4740163, ClinGen allele CA5293463.

ClinVar aggregate classification (germline): Benign. Review status: criteria provided, multiple submitters, no conflicts (2 of 4 stars). 6 submissions from 4 submitters: Benign (6). Last evaluated 2021-10-25.

Conditions:
Muscular dystrophy-dystroglycanopathy (congenital with brain and eye anomalies), type A1 (MDDGA1). Also called: WALKER-WARBURG SYNDROME OR MUSCLE-EYE-BRAIN DISEASE, POMT1-RELATED; Hydrocephalus, agyria and retinal dysplasia; Hard +/- E syndrome; Warburg syndrome; Chemke syndrome; Pagon syndrome. Identifiers: Orphanet 588, Orphanet 899, MedGen C4284790, MONDO:0009364, OMIM 236670.
Autosomal recessive limb-girdle muscular dystrophy type 2K. Also called: MUSCULAR DYSTROPHY-DYSTROGLYCANOPATHY (LIMB-GIRDLE), TYPE C, 1; MUSCULAR DYSTROPHY, LIMB-GIRDLE, TYPE 2K. Identifiers: Orphanet 86812, MedGen C1836373, MONDO:0012248, OMIM 609308.
Muscular dystrophy-dystroglycanopathy (congenital with impaired intellectual development), type B, 1. Also called: Muscular dystrophy-dystroglycanopathy (congenital with intellectual disability), type B1; MUSCULAR DYSTROPHY, CONGENITAL, POMT1-RELATED. Identifiers: MedGen C5436962, MONDO:0013159, OMIM 613155.

Allele frequency attached by ClinVar (database versions not stated): TOPMed 0.97503; ESP Exome Variant Server 0.97563; gnomAD 0.97653 and 0.97823; 1000 Genomes Project 30x 0.98017; 1000 Genomes Project 0.98123; ExAC 0.99313; gnomAD exomes 0.99403 and 0.99777.
gnomAD v4.1: 1,568,062 of 1,574,664 alleles (100%); highest among the groups gnomAD compares: East Asian, 100%; 780,962 homozygotes.

Submissions (6):

Genome-Nilou Lab
Classification: Benign for Muscular dystrophy-dystroglycanopathy (congenital with brain and eye anomalies), type A1. Last evaluated: 2021-10-25. Review status: criteria provided, single submitter. Criteria: ACMG Guidelines, 2015. Collection method: clinical testing. Allele origin: germline. Affected: no.

Genome-Nilou Lab
Classification: Benign for Muscular dystrophy-dystroglycanopathy (congenital with impaired intellectual development), type B, 1. Last evaluated: 2021-10-25. Review status: criteria provided, single submitter. Criteria: ACMG Guidelines, 2015. Collection method: clinical testing. Allele origin: germline. Affected: no.

Genome-Nilou Lab
Classification: Benign for Autosomal recessive limb-girdle muscular dystrophy type 2K. Last evaluated: 2021-10-25. Review status: criteria provided, single submitter. Criteria: ACMG Guidelines, 2015. Collection method: clinical testing. Allele origin: germline. Affected: no.

GeneDx
Classification: Benign. Last evaluated: 2018-06-14. Review status: criteria provided, single submitter. Criteria: GeneDx Variant Classification (06012015). Collection method: clinical testing. Allele origin: germline. Affected: yes.
Comment: This variant is considered likely benign or benign based on one or more of the following criteria: it is a conservative change, it occurs at a poorly conserved position in the protein, it is predicted to be benign by multiple in silico algorithms, and/or has population frequency not consistent with disease.

Breakthrough Genomics
Classification: Benign. Review status: criteria provided, single submitter. Criteria: ACMG Guidelines, 2015. Collection method: not provided. Allele origin: germline. Inheritance: Autosomal recessive inheritance. Affected: yes.

PreventionGenetics, part of Exact Sciences
Classification: Benign. Review status: criteria provided, single submitter. Criteria: ACMG Guidelines, 2015. Collection method: clinical testing. Allele origin: germline.